The following is an entry in ClinVar:

ClinVar aggregate classification (germline): Uncertain significance (1 of 4 stars; one submission).

Submission:

Women's Health and Genetics/Laboratory Corporation of America, LabCorp
Classification: Uncertain significance. Last evaluated: 2022-03-09. Review status: criteria provided, single submitter. Criteria: LabCorp Variant Classification Summary - May 2015. Collection method: clinical testing. Allele origin: germline.
Comment: Variant summary: The variant identified by MLPA or other technology involves the duplication of exons 1-8 in the CPLANE1 gene. A presumed nomenclature of c.(?_-232)_(938+1_939-1)dup has been designated for the purposes of this classification. It has been assumed that this is a tandem duplication in direct orientation (Richardson_GIM_2018, Newman_AJHG_2015). The variant was absent in 21694 control chromosomes (gnomAD, Structural Variants dataset). The available data on variant occurrences in the general population are insufficient to allow any conclusion about variant significance. To our knowledge, no occurrence of c.(?_-232)_(938+1_939-1)dup in individuals affected with Joubert Syndrome And Related Disorders and no experimental evidence demonstrating its impact on protein function have been reported. No clinical diagnostic laboratories have submitted clinical-significance assessments for this variant to ClinVar after 2014. Based on the evidence outlined above, the variant was classified as uncertain significance.

NC_000005.9:g.(37231152_37238958)_(37249531_?)dup

Gene: CPLANE1 (ciliogenesis and planar polarity effector complex subunit 1; minus strand). Cytogenetic location: 5p13.2.
Variant type: Duplication.
Identifiers: ClinVar variation 1677072 (VCV001677072.1).